The following is an entry in ClinVar:

Conditions:
Breast-ovarian cancer, familial, susceptibility to, 1 (BROVCA1). Also called: BRCA1 Hereditary Breast and Ovarian Cancer; OVARIAN CANCER, SUSCEPTIBILITY TO. Identifiers: Orphanet 145, MedGen C2676676, MONDO:0011450, OMIM 604370. Disease mechanism: loss of function.

Submission:

Brotman Baty Institute, University of Washington
No classification provided (evidence only). Condition: Breast-ovarian cancer, familial 1. Review status: no classification provided. Collection method: in vitro. Allele origin: not applicable. Functional consequence: functionally_normal.
ClinVar note: "not provided" was previously submitted as the classification for the variant. However, the classification appeared to be based only on an observation of functional data so it was converted to no classification on 2025-07-30.

NM_007294.4(BRCA1):c.5234A>T (p.Asn1745Ile)

Gene: BRCA1 (BRCA1 DNA repair associated; minus strand). Cytogenetic location: 17q21.31.
Variant type: single nucleotide variant.
Coding change: c.5234A>T on transcript NM_007294.4 (MANE Select); coding-DNA position 5234, A replaced by T.
Protein change: p.Asn1745Ile; replaces asparagine 1745 with isoleucine.
Molecular consequence: missense variant. On other transcripts: non-coding transcript variant (1).
Genome position (GRCh38, 1-based): chr17:43,057,095, T>A on the plus strand (A>T on the coding strand, the complement: BRCA1 is on the minus strand). VCF-style: chr17-43057095-T-A. GRCh37 (hg19) VCF-style: chr17-41209112-T-A.
Other names: c.5021A>T, p.Asn1674Ile (NM_001407571.1, NM_001407900.1, NM_001407902.1 and 12 more transcripts); c.5300A>T, p.Asn1767Ile (NM_001407581.1, NM_001407582.1); c.5297A>T, p.Asn1766Ile (NM_001407583.1, NM_001407585.1, NM_001407587.1 and 1 more transcripts); c.5231A>T, p.Asn1744Ile (NM_001407610.1, NM_001407611.1, NM_001407612.1 and 17 more transcripts); c.5228A>T, p.Asn1743Ile (NM_001407629.1, NM_001407630.1, NM_001407631.1 and 14 more transcripts); c.5174A>T, p.Asn1725Ile (NM_001407649.1); c.5156A>T, p.Asn1719Ile (NM_001407652.1, NM_001407653.1, NM_001407654.1 and 1 more transcripts); c.5153A>T, p.Asn1718Ile (NM_001407656.1, NM_001407657.1, NM_001407658.1); and 72 more; short protein forms N641I, N1698I, N1745I, N1766I, N1591I, N1616I, N1633I, N1655I.
Identifiers: ClinVar variation 868211 (VCV000868211.3), dbSNP rs1567764456, ClinGen allele CA10591072.